The following is an entry in ClinVar:

ClinVar aggregate classification (germline): Uncertain significance. Review status: criteria provided, single submitter (1 of 4 stars). 2 submissions from 2 submitters: Uncertain significance (1). 1 of the submissions does not count toward it. Last evaluated 2022-07-11.

Conditions:
Nemaline myopathy 2 (NEM2). Also called: Nemaline myopathy 2, autosomal recessive. Identifiers: MedGen C1850569, MONDO:0009725, OMIM 256030.

Allele frequency attached by ClinVar (database versions not stated): gnomAD 0.00001; TOPMed below 0.00001.
gnomAD v4.1: 2 of 1,609,190 alleles (0.00012%); highest among the groups gnomAD compares: Non-Finnish European, 0.00017%; no homozygotes.

Submissions (2):

Labcorp Genetics (formerly Invitae), Labcorp
Classification: Uncertain significance for Nemaline myopathy 2. Last evaluated: 2022-07-11. Review status: criteria provided, single submitter. Criteria: Invitae Variant Classification Sherloc (09022015). Collection method: clinical testing. Allele origin: germline.
Comment: This sequence change replaces lysine, which is basic and polar, with glutamine, which is neutral and polar, at codon 3962 of the NEB protein (p.Lys3962Gln). In summary, the available evidence is currently insufficient to determine the role of this variant in disease. Therefore, it has been classified as a Variant of Uncertain Significance. Algorithms developed to predict the effect of missense changes on protein structure and function are either unavailable or do not agree on the potential impact of this missense change (SIFT: "Deleterious"; PolyPhen-2: "Not Available"; Align-GVGD: "Class C0"). ClinVar contains an entry for this variant (Variation ID: 853762). This variant has not been reported in the literature in individuals affected with NEB-related conditions. This variant is not present in population databases (gnomAD no frequency).

Natera, Inc.
Classification: Uncertain significance for Nemaline myopathy type 2. Last evaluated: 2021-07-06. Review status: no assertion criteria provided. Collection method: clinical testing. Allele origin: germline. Not counted in ClinVar's aggregate classification.

NM_001164508.2(NEB):c.11884A>C (p.Lys3962Gln)

Gene: NEB (nebulin; minus strand). Cytogenetic location: 2q23.3.
Variant type: single nucleotide variant.
Coding change: c.11884A>C on transcript NM_001164508.2 (MANE Select); coding-DNA position 11884, A replaced by C.
Protein change: p.Lys3962Gln; replaces lysine 3962 with glutamine.
Molecular consequence: missense variant.
Genome position (GRCh38, 1-based): chr2:151,610,788, T>G on the plus strand (A>C on the coding strand, the complement: NEB is on the minus strand). VCF-style: chr2-151610788-T-G. GRCh37 (hg19) VCF-style: chr2-152467302-T-G.
Other names: c.11884A>C, p.Lys3962Gln (NM_001164507.2, NM_001271208.2); c.11155A>C, p.Lys3719Gln (NM_004543.5); short protein forms K3719Q, K3962Q.
Identifiers: ClinVar variation 853762 (VCV000853762.13), dbSNP rs1194302071, ClinGen allele CA348779570.